The following is an entry in ClinVar:

ClinVar aggregate classification (germline): Uncertain significance (1 of 4 stars; one submission).

Conditions:
Pyruvate dehydrogenase E2 deficiency (PDHDD). Also called: LACTIC ACIDEMIA DUE TO DEFECT OF E2 LIPOYL TRANSACETYLASE OF THE PYRUVATE DEHYDROGENASE COMPLEX; Dihydrolipoamide Acetyltransferase (E2) Deficiency. Identifiers: Orphanet 765, Orphanet 79244, MedGen C1855565, MONDO:0009502, OMIM 245348.

Allele frequency attached by ClinVar (database versions not stated): TOPMed below 0.00001.
gnomAD v4.1: 1 of 1,614,092 alleles (0.000062%); highest among the groups gnomAD compares: Non-Finnish European, 0.000085%; no homozygotes.

Submission:

Labcorp Genetics (formerly Invitae), Labcorp
Classification: Uncertain significance for Pyruvate dehydrogenase E2 deficiency. Last evaluated: 2022-02-25. Review status: criteria provided, single submitter. Criteria: Invitae Variant Classification Sherloc (09022015). Collection method: clinical testing. Allele origin: germline.
Comment: This sequence change replaces leucine, which is neutral and non-polar, with valine, which is neutral and non-polar, at codon 286 of the DLAT protein (p.Leu286Val). This variant is present in population databases (rs781839763, gnomAD 0.0009%). This variant has not been reported in the literature in individuals affected with DLAT-related conditions. Advanced modeling of protein sequence and biophysical properties (such as structural, functional, and spatial information, amino acid conservation, physicochemical variation, residue mobility, and thermodynamic stability) performed at Invitae indicates that this missense variant is not expected to disrupt DLAT protein function. In summary, the available evidence is currently insufficient to determine the role of this variant in disease. Therefore, it has been classified as a Variant of Uncertain Significance.

NM_001931.5(DLAT):c.856C>G (p.Leu286Val)

Gene: DLAT (dihydrolipoamide S-acetyltransferase; plus strand). Cytogenetic location: 11q23.1.
Variant type: single nucleotide variant.
Coding change: c.856C>G on transcript NM_001931.5 (MANE Select); coding-DNA position 856, C replaced by G.
Protein change: p.Leu286Val; replaces leucine 286 with valine.
Molecular consequence: missense variant. On other transcripts: intron variant (2).
Genome position (GRCh38, 1-based): chr11:112,037,341, C>G. VCF-style: chr11-112037341-C-G. GRCh37 (hg19) VCF-style: chr11-111908065-C-G.
Other names: c.856C>G, p.Leu286Val (NM_001372031.1, NM_001372032.1, NM_001372033.1 and 1 more transcripts); c.823C>G, p.Leu275Val (NM_001372034.1); c.730C>G, p.Leu244Val (NM_001372036.1); c.688C>G, p.Leu230Val (NM_001372037.1); c.577C>G, p.Leu193Val (NM_001372038.1); c.475C>G, p.Leu159Val (NM_001372040.1); c.394C>G, p.Leu132Val (NM_001372042.1); c.661-1903C>G (NM_001372039.1, NM_001372041.1); short protein forms L275V, L193V, L159V, L244V, L132V, L230V, L286V.
Identifiers: ClinVar variation 2185743 (VCV002185743.4), dbSNP rs781839763, ClinGen allele CA6276759.
Genomic context (GRCh38, chr11:112,037,341, plus strand): 5'-GTACAGGAAGAAGGTTATCTGGCAAAAATCCTGGTCCCTGAAGGCACAAGAGATGTCCCT[C>G]TAGGAACCCCACTCTGTATCATTGTAGAAAAAGAGGCAGATATATCAGCATTTGCTGACT-3'
Protein context (NP_001922.2, residues 276-296): LVPEGTRDVP[Leu286Val]GTPLCIIVEK